The following is an entry in ClinVar:

NM_001384140.1(PCDH15):c.4317G>A (p.Pro1439=)

Gene: PCDH15 (protocadherin related 15; minus strand). Cytogenetic location: 10q21.1.
Variant type: single nucleotide variant.
Coding change: c.4317G>A on transcript NM_001384140.1 (MANE Select); coding-DNA position 4317, G replaced by A.
Protein change: p.Pro1439=; no amino-acid change (proline 1439 retained).
Molecular consequence: synonymous variant.
Genome position (GRCh38, 1-based): chr10:53,827,443, C>T on the plus strand (G>A on the coding strand, the complement: PCDH15 is on the minus strand). VCF-style: chr10-53827443-C-T. GRCh37 (hg19) VCF-style: chr10-55587203-C-T.
Other names: c.4332G>A, p.Pro1444= (NM_001142763.2, NM_001142771.2); c.4317G>A, p.Pro1439= (NM_001142764.2, NM_001142770.3, NM_001142772.2 and 3 more transcripts); c.4104G>A, p.Pro1368= (NM_001142765.2); c.4308G>A, p.Pro1436= (NM_001142766.2); c.4197G>A, p.Pro1399= (NM_001142767.2); c.4251G>A, p.Pro1417= (NM_001142768.2, NM_001354404.2); c.4353G>A, p.Pro1451= (NM_001142769.4); c.4242G>A, p.Pro1414= (NM_001142773.2); and 1 more.
Identifiers: ClinVar variation 513913 (VCV000513913.36), dbSNP rs370470900, ClinGen allele CA5505372.
Genomic context (GRCh38, chr10:53,827,443, plus strand): 5'-GTCTACTTACATTGAGCTGTCTCCAAGTTCTTCATAGAGATGCGCACCTGGCGGAGGCGG[C>T]GGCGGCGGCGGGGGCGCTGCCACTGGTGCAGGAGCCGGCACTGCTGGTTTAGCCGCGGGT-3'
Protein context (NP_001371069.1, residues 1429-1449): PAPVAAPPPP[Pro1439=]PPPPGAHLYE

ClinVar aggregate classification (germline): Likely benign. Review status: criteria provided, multiple submitters, no conflicts (2 of 4 stars). 4 submissions from 4 submitters: Likely benign (4). Last evaluated 2025-07-22.

Allele frequency attached by ClinVar (database versions not stated): ExAC 0.00004; gnomAD exomes 0.00004 and 0.00006; gnomAD 0.00008; TOPMed 0.00009; ESP Exome Variant Server 0.00015.
gnomAD v4.1: 97 of 1,612,840 alleles (0.006%); highest among the groups gnomAD compares: Non-Finnish European, 0.0076%; no homozygotes.

Submissions (4):

Labcorp Genetics (formerly Invitae), Labcorp
Classification: Likely benign. Last evaluated: 2025-07-22. Review status: criteria provided, single submitter. Criteria: Invitae Variant Classification Sherloc (09022015). Collection method: clinical testing. Allele origin: germline.

Blueprint Genetics
Classification: Likely benign. Last evaluated: 2024-05-15. Review status: criteria provided, single submitter. Criteria: ACMG Guidelines, 2015. Collection method: clinical testing. Allele origin: germline.

CeGaT Center for Human Genetics Tuebingen
Classification: Likely benign. Last evaluated: 2022-06-01. Review status: criteria provided, single submitter. Criteria: CeGaT Center For Human Genetics Tuebingen Variant Classification Criteria Version 2. Collection method: clinical testing. Allele origin: germline. Affected: yes. Observed: 1 variant allele.
Comment: PCDH15: BP4, BP7

GeneDx
Classification: Likely benign. Last evaluated: 2017-12-06. Review status: criteria provided, single submitter. Criteria: GeneDx Variant Classification (06012015). Collection method: clinical testing. Allele origin: germline. Affected: yes.
Comment: This variant is considered likely benign or benign based on one or more of the following criteria: it is a conservative change, it occurs at a poorly conserved position in the protein, it is predicted to be benign by multiple in silico algorithms, and/or has population frequency not consistent with disease.